The following is an entry in ClinVar:

NM_181486.4(TBX5):c.499C>A (p.Pro167Thr)

Gene: TBX5 (T-box transcription factor 5; minus strand). Cytogenetic location: 12q24.21.
Variant type: single nucleotide variant.
Coding change: c.499C>A on transcript NM_181486.4 (MANE Select); coding-DNA position 499, C replaced by A.
Protein change: p.Pro167Thr; replaces proline 167 with threonine.
Molecular consequence: missense variant.
Genome position (GRCh38, 1-based): chr12:114,398,584, G>T on the plus strand (C>A on the coding strand, the complement: TBX5 is on the minus strand). VCF-style: chr12-114398584-G-T. GRCh37 (hg19) VCF-style: chr12-114836389-G-T.
Other names: c.499C>A, p.Pro167Thr (NM_000192.3); c.349C>A, p.Pro117Thr (NM_080717.4); short protein forms P117T, P167T.
Identifiers: ClinVar variation 4992159 (VCV004992159.1).

ClinVar aggregate classification (germline): Uncertain significance (1 of 4 stars; one submission).

Conditions:
TBX5-related disorder. Also called: TBX5-related condition.

Submission:

PreventionGenetics, part of Exact Sciences
Classification: Uncertain significance for TBX5-related condition. Last evaluated: 2026-06-27. Review status: criteria provided, single submitter. Criteria: ACMG Guidelines, 2015. Collection method: clinical testing. Allele origin: germline.
Comment: The TBX5 c.499C>A variant is predicted to result in the amino acid substitution p.Pro167Thr. To our knowledge, this variant has not been reported in the literature or in a large population database (gnomAD), indicating this variant is rare. At this time, the clinical significance of this variant is uncertain due to the absence of conclusive functional and genetic evidence.